The following is an entry in ClinVar:

ClinVar aggregate classification (germline): Uncertain significance (1 of 4 stars; one submission).

Submission:

Labcorp Genetics (formerly Invitae), Labcorp
Classification: Uncertain significance. Last evaluated: 2025-12-17. Review status: criteria provided, single submitter. Criteria: Invitae Variant Classification Sherloc (09022015). Collection method: clinical testing. Allele origin: germline.
Comment: This sequence change replaces glycine, which is neutral and non-polar, with valine, which is neutral and non-polar, at codon 481 of the COL9A2 protein (p.Gly481Val). This variant is not present in population databases (gnomAD no frequency). This variant has not been reported in the literature in individuals affected with COL9A2-related conditions. ClinVar contains an entry for this variant (Variation ID: 1403618). Invitae Evidence Modeling of protein sequence and biophysical properties (such as structural, functional, and spatial information, amino acid conservation, physicochemical variation, residue mobility, and thermodynamic stability) indicates that this missense variant is expected to disrupt COL9A2 protein function with a positive predictive value of 95%. In summary, the available evidence is currently insufficient to determine the role of this variant in disease. Therefore, it has been classified as a Variant of Uncertain Significance.

NM_001852.4(COL9A2):c.1442G>T (p.Gly481Val)

Gene: COL9A2 (collagen type IX alpha 2 chain; minus strand). Cytogenetic location: 1p34.2.
Variant type: single nucleotide variant.
Coding change: c.1442G>T on transcript NM_001852.4 (MANE Select); coding-DNA position 1442, G replaced by T.
Protein change: p.Gly481Val; replaces glycine 481 with valine.
Molecular consequence: missense variant.
Genome position (GRCh38, 1-based): chr1:40,303,636, C>A on the plus strand (G>T on the coding strand, the complement: COL9A2 is on the minus strand). VCF-style: chr1-40303636-C-A. GRCh37 (hg19) VCF-style: chr1-40769308-C-A.
Other names: short protein forms G481V.
Identifiers: ClinVar variation 1403618 (VCV001403618.8), dbSNP rs1459319055, ClinGen allele CA339878635.